The following is an entry in ClinVar:

ClinVar aggregate classification (germline): Pathogenic (1 of 4 stars; one submission).

Conditions:
Polyglucosan body myopathy type 1 (PGBM1). Also called: POLYGLUCOSAN BODY MYOPATHY WITHOUT IMMUNODEFICIENCY; Polyglucosan body myopathy 1 with or without immunodeficiency. Identifiers: Orphanet 329173, Orphanet 397937, MedGen C4014605, MONDO:0014389, OMIM 615895.

Submission:

Labcorp Genetics (formerly Invitae), Labcorp
Classification: Pathogenic for Polyglucosan body myopathy type 1. Last evaluated: 2020-08-14. Review status: criteria provided, single submitter. Criteria: Invitae Variant Classification Sherloc (09022015). Collection method: clinical testing. Allele origin: germline.
Comment: For these reasons, this variant has been classified as Pathogenic. Loss-of-function variants in RBCK1 are known to be pathogenic (PMID: 2379848, 23104095, 23889995). This variant has not been reported in the literature in individuals with RBCK1-related conditions. This variant is not present in population databases (ExAC no frequency). This sequence change creates a premature translational stop signal (p.Gln317*) in the RBCK1 gene. It is expected to result in an absent or disrupted protein product.

Literature cited by the submitters: PubMed 2379848; PubMed 23104095; PubMed 23889995.

NM_031229.4(RBCK1):c.949C>T (p.Gln317Ter)

Gene: RBCK1 (RANBP2-type and C3HC4-type zinc finger containing 1; plus strand). Cytogenetic location: 20p13.
Variant type: single nucleotide variant.
Coding change: c.949C>T on transcript NM_031229.4 (MANE Select); coding-DNA position 949, C replaced by T.
Protein change: p.Gln317Ter; replaces glutamine 317 with a stop codon.
Molecular consequence: nonsense. On other transcripts: non-coding transcript variant (1).
Genome position (GRCh38, 1-based): chr20:422,158, C>T. VCF-style: chr20-422158-C-T. GRCh37 (hg19) VCF-style: chr20-402802-C-T.
Other names: c.439C>T, p.Gln147Ter (NM_001323956.2, NM_001323958.2); c.823C>T, p.Gln275Ter (NM_006462.6); short protein forms Q147*, Q275*, Q317*.
Identifiers: ClinVar variation 1072347 (VCV001072347.7), dbSNP rs2122281705, ClinGen allele CA407930399.
Genomic context (GRCh38, chr20:422,158, plus strand): 5'-CCTAACTCTTTTCCCCTCCCCTCCCCTAGGGAGTGCCTGCAGGGCACCATCCGCAACAGC[C>T]AGGAGGCGGAGGTCTCCTGCCCCTTCATTGACAACACCTACTCGTGCTCGGGCAAGCTGC-3'